The following is an entry in ClinVar:

ClinVar aggregate classification (germline): Conflicting classifications of pathogenicity. Review status: criteria provided, conflicting classifications (1 of 4 stars). 3 submissions from 3 submitters: Uncertain significance (2); Benign (1). Last evaluated 2025-10-23.

Conditions:
Long QT syndrome 11 (LQT11). Identifiers: Orphanet 101016, Orphanet 768, MedGen C2678483, MONDO:0012738, OMIM 611820.
Cardiovascular phenotype. Identifiers: MedGen CN230736.
Long QT syndrome (LQTS). Identifiers: MedGen C0023976, MeSH D008133, MONDO:0002442. Disease mechanism: loss of function. Inheritance: Various modes of inheritance.

Allele frequency attached by ClinVar (database versions not stated): gnomAD exomes 0.00003; ExAC 0.00006; gnomAD 0.00013; 1000 Genomes Project 30x 0.00016; 1000 Genomes Project 0.00020; ESP Exome Variant Server 0.00023.
gnomAD v4.1: 31 of 1,608,656 alleles (0.0019%); highest among the groups gnomAD compares: African/African-American, 0.04%; no homozygotes.

Submissions (3):

Labcorp Genetics (formerly Invitae), Labcorp
Classification: Uncertain significance for Long QT syndrome. Last evaluated: 2025-10-23. Review status: criteria provided, single submitter. Criteria: Invitae Variant Classification Sherloc (09022015). Collection method: clinical testing. Allele origin: germline.
Comment: This sequence change replaces threonine, which is neutral and polar, with proline, which is neutral and non-polar, at codon 1312 of the AKAP9 protein (p.Thr1312Pro). This variant is present in population databases (rs139337441, gnomAD 0.06%), and has an allele count higher than expected for a pathogenic variant. This variant has not been reported in the literature in individuals affected with AKAP9-related conditions. ClinVar contains an entry for this variant (Variation ID: 1402564). An algorithm developed to predict the effect of missense changes on protein structure and function (PolyPhen-2) suggests that this variant is likely to be tolerated. In summary, the available evidence is currently insufficient to determine the role of this variant in disease. Therefore, it has been classified as a Variant of Uncertain Significance.

Ambry Genetics
Classification: Benign for Cardiovascular phenotype. Last evaluated: 2024-01-09. Review status: criteria provided, single submitter. Criteria: Ambry Variant Classification Scheme 2023. Collection method: clinical testing. Allele origin: germline.

Fulgent Genetics
Classification: Uncertain significance for Long QT syndrome 11. Last evaluated: 2021-08-31. Review status: criteria provided, single submitter. Criteria: ACMG Guidelines, 2015. Collection method: clinical testing. Allele origin: unknown.

NM_005751.5(AKAP9):c.3934A>C (p.Thr1312Pro)

Gene: AKAP9 (A-kinase anchoring protein 9; plus strand). Cytogenetic location: 7q21.2.
Variant type: single nucleotide variant.
Coding change: c.3934A>C on transcript NM_005751.5 (MANE Select); coding-DNA position 3934, A replaced by C.
Protein change: p.Thr1312Pro; replaces threonine 1312 with proline.
Molecular consequence: missense variant.
Genome position (GRCh38, 1-based): chr7:92,022,334, A>C. VCF-style: chr7-92022334-A-C. GRCh37 (hg19) VCF-style: chr7-91651648-A-C.
Other names: c.3934A>C, p.Thr1312Pro (NM_147185.3); short protein forms T1312P.
Identifiers: ClinVar variation 1402564 (VCV001402564.11), dbSNP rs139337441, ClinGen allele CA4336430.
Genomic context (GRCh38, chr7:92,022,334, plus strand): 5'-TTTGGAGAAGAAAACCTTCCAAAAGAGGAAACAGAGTTTTTATCAATCCATTCTCAGATG[A>C]CCAATTTGGAAGACATTGGTAAATTTTGATCATATACCACAATGTGGTGTTTTTATAGCA-3'
Protein context (NP_005742.4, residues 1302-1322): TEFLSIHSQM[Thr1312Pro]NLEDIDVNHK